The following is an entry in ClinVar:

NM_000548.5(TSC2):c.1080dup (p.Leu361fs)

Gene: TSC2 (TSC complex subunit 2; plus strand). Cytogenetic location: 16p13.3.
Variant type: Duplication.
Coding change: c.1080dup on transcript NM_000548.5 (MANE Select); coding-DNA position 1080, one base duplicated (T; older notation c.1080dupT).
Protein change: p.Leu361fs; shifts the reading frame from leucine 361.
Molecular consequence: frameshift variant.
Genome position (GRCh38, 1-based): chr16:2,060,774, T duplicated; the last of 2 consecutive T bases (chr16:2,060,773-2,060,774); duplicating either gives the same sequence. VCF-style (leftmost placement, unchanged base first): chr16-2060772-A-AT. GRCh37 (hg19) VCF-style: chr16-2110773-A-AT.
Other names: c.1080dup, p.Leu361fs (NM_001077183.3, NM_001114382.3, NM_001363528.2 and 3 more transcripts); c.969dup, p.Leu324fs (NM_001318827.2); c.933dup, p.Leu312fs (NM_001318829.2); c.480dup, p.Leu161fs (NM_001318831.2); c.1113dup, p.Leu372fs (NM_001318832.2); short protein forms L312fs, L361fs, L161fs, L324fs, L372fs.
Identifiers: ClinVar variation 65271 (VCV000065271.3), dbSNP rs397515198, ClinGen allele CA013683.

ClinVar aggregate classification (germline): Likely pathogenic. Review status: criteria provided, single submitter (1 of 4 stars). 2 submissions from 2 submitters: Likely pathogenic (1). 1 of the submissions does not count toward it.

Conditions:
Tuberous sclerosis syndrome (TSC). Also called: Tuberous Sclerosis Complex; Tuberous sclerosis. Identifiers: Orphanet 805, MedGen C0041341, MONDO:0001734.
Tuberous sclerosis 2 (TSC2). Identifiers: Orphanet 805, MedGen C1860707, MONDO:0013199, OMIM 613254.

Submissions (2):

Molecular Genetics Department, Kulakov National Medical Research Center for Obstetrics, Gynecology and Perinatology
Classification: Likely pathogenic for Tuberous sclerosis 2. Review status: criteria provided, single submitter. Criteria: ACMG Guidelines, 2015. Collection method: clinical testing. Allele origin: germline. Affected: yes. Observed: 1 variant allele.
Comment: A previously undescribed heterozygous nucleotide variant creates a frameshift p.Leu361SerfsTer26 in the TSC2 gene (rs397515198). Heterozygous variants are reported in patients with tuberous sclerosis-2, 613254. The variant is not present in population database (gnomAD no frequency). In summary, the currently available evidence indicates that the variant is pathogenic, but additional data are needed to prove that conclusively. Therefore, this variant has been classified as likely pathogenic.

Tuberous sclerosis database (TSC2)
No classification provided. Condition: TSC. Review status: no classification provided. Criteria: Tuberous Sclerosis Database Assertion Criteria 2015. Collection method: curation. Allele origin: germline. Affected: yes. Not counted in ClinVar's aggregate classification.